The following is an entry in ClinVar:

NM_014866.2(SEC16A):c.6173C>T (p.Thr2058Met)

Gene: SEC16A (SEC16 homolog A, endoplasmic reticulum export factor; minus strand). Cytogenetic location: 9q34.3.
Variant type: single nucleotide variant.
Coding change: c.6173C>T on transcript NM_014866.2 (MANE Select); coding-DNA position 6173, C replaced by T.
Protein change: p.Thr2058Met; replaces threonine 2058 with methionine.
Molecular consequence: missense variant.
Genome position (GRCh38, 1-based): chr9:136,451,395, G>A on the plus strand (C>T on the coding strand, the complement: SEC16A is on the minus strand). VCF-style: chr9-136451395-G-A. GRCh37 (hg19) VCF-style: chr9-139345847-G-A.
Other names: c.6173C>T, p.Thr2058Met (NM_001276418.2); short protein forms T2058M.
Identifiers: ClinVar variation 770756 (VCV000770756.28), dbSNP rs45519739, ClinGen allele CA5337653.
Genomic context (GRCh38, chr9:136,451,395, plus strand): 5'-GGCTGCGTGGGACCCGAGTCGGCACGATCCCACCCTGGGGGGGCCTCCGAGTCTGGCACC[G>A]TCCTCGAGGGGGTCTGTCGCAAGGAAATGCAGAACAGGCTCTCCTGGGGCTCCTCACAGG-3'
Protein context (NP_055681.1, residues 2048-2068): GKFANLTPSR[Thr2058Met]VPDSEAPPGW

ClinVar aggregate classification (germline): Benign. Review status: criteria provided, multiple submitters, no conflicts (2 of 4 stars). 3 submissions from 3 submitters: Benign (3). Last evaluated 2023-01-01.

Allele frequency attached by ClinVar (database versions not stated): 1000 Genomes Project 0.00379; 1000 Genomes Project 30x 0.00390; TOPMed 0.00864; gnomAD exomes 0.00937 and 0.01286; ExAC 0.00966; gnomAD 0.00974 and 0.01069; ESP Exome Variant Server 0.01140.
gnomAD v4.1: 19,995 of 1,606,014 alleles (1.2%); highest among the groups gnomAD compares: Non-Finnish European, 1.5%; 185 homozygotes.

Submissions (3):

CeGaT Center for Human Genetics Tuebingen
Classification: Benign. Last evaluated: 2023-01-01. Review status: criteria provided, single submitter. Criteria: CeGaT Center For Human Genetics Tuebingen Variant Classification Criteria Version 2. Collection method: clinical testing. Allele origin: germline. Affected: yes. Observed: 1 variant allele.
Comment: SEC16A: BP4, BS1, BS2

Labcorp Genetics (formerly Invitae), Labcorp
Classification: Benign. Last evaluated: 2018-11-13. Review status: criteria provided, single submitter. Criteria: Invitae Variant Classification Sherloc (09022015). Collection method: clinical testing. Allele origin: germline.

Breakthrough Genomics
Classification: Benign. Review status: criteria provided, single submitter. Criteria: ACMG Guidelines, 2015. Collection method: not provided. Allele origin: germline. Inheritance: Unknown mechanism. Affected: yes.